The following is an entry in ClinVar:

NM_001190274.2(FBXO11):c.70C>T (p.Gln24Ter)

Genes: FBXO11 (F-box protein 11; minus strand), LOC100506235 (uncharacterized LOC100506235; plus strand). Cytogenetic location: 2p16.3.
Variant type: single nucleotide variant.
Coding change: c.70C>T on transcript NM_001190274.2 (MANE Select); coding-DNA position 70, C replaced by T.
Protein change: p.Gln24Ter; replaces glutamine 24 with a stop codon.
Molecular consequence: nonsense. On other transcripts: non-coding transcript variant (1).
Genome position (GRCh38, 1-based): chr2:47,905,651, G>A on the plus strand (C>T on the coding strand, the complement: FBXO11 is on the minus strand). VCF-style: chr2-47905651-G-A. GRCh37 (hg19) VCF-style: chr2-48132790-G-A.
Other names: short protein forms Q24*.
Identifiers: ClinVar variation 4975075 (VCV004975075.1).

ClinVar aggregate classification (germline): Pathogenic (1 of 4 stars; one submission).

Submission:

GeneDx
Classification: Pathogenic. Last evaluated: 2026-01-22. Review status: criteria provided, single submitter. Criteria: GeneDx Variant Classification Process June 2021. Collection method: clinical testing. Allele origin: germline.
Comment: Nonsense variant predicted to result in protein truncation or nonsense mediated decay in a gene for which loss of function is a known mechanism of disease; Not observed at significant frequency in large population cohorts (gnomAD); Has not been previously published as pathogenic or benign to our knowledge